The following is an entry in ClinVar:

ClinVar aggregate classification (germline): Uncertain significance (1 of 4 stars; one submission).

Conditions:
RPSA-related disorder. Also called: RPSA-related condition.

Allele frequency attached by ClinVar (database versions not stated): ExAC 0.00001; gnomAD 0.00001; gnomAD exomes 0.00001; TOPMed 0.00001; ESP Exome Variant Server 0.00008.
gnomAD v4.1: 21 of 1,610,622 alleles (0.0013%); highest among the groups gnomAD compares: Non-Finnish European, 0.0017%; no homozygotes.

Submission:

PreventionGenetics, part of Exact Sciences
Classification: Uncertain significance for RPSA-related condition. Last evaluated: 2023-09-19. Review status: criteria provided, single submitter. Criteria: ACMG Guidelines, 2015. Collection method: clinical testing. Allele origin: germline.
Comment: The RPSA c.770T>G variant is predicted to result in the amino acid substitution p.Val257Gly. To our knowledge, this variant has not been reported in the literature. This variant is reported in 0.0023% of alleles in individuals of European (Non-Finnish) descent in gnomAD. At this time, the clinical significance of this variant is uncertain due to the absence of conclusive functional and genetic evidence.

NM_002295.6(RPSA):c.770T>G (p.Val257Gly)

Gene: RPSA (ribosomal protein SA; plus strand). Cytogenetic location: 3p22.1.
Variant type: single nucleotide variant.
Coding change: c.770T>G on transcript NM_002295.6 (MANE Select); coding-DNA position 770, T replaced by G.
Protein change: p.Val257Gly; replaces valine 257 with glycine.
Molecular consequence: missense variant.
Genome position (GRCh38, 1-based): chr3:39,412,038, T>G. VCF-style: chr3-39412038-T-G. GRCh37 (hg19) VCF-style: chr3-39453529-T-G.
Other names: c.770T>G, p.Val257Gly (NM_001012321.1); c.785T>G, p.Val262Gly (NM_001304288.2); short protein forms V257G, V262G.
Identifiers: ClinVar variation 2635660 (VCV002635660.1), dbSNP rs369708612, ClinGen allele CA2327911.